The following is an entry in ClinVar:

NM_015559.3(SETBP1):c.4379A>G (p.Gln1460Arg)

Gene: SETBP1 (SET binding protein 1; plus strand). Cytogenetic location: 18q12.3.
Variant type: single nucleotide variant.
Coding change: c.4379A>G on transcript NM_015559.3 (MANE Select); coding-DNA position 4379, A replaced by G.
Protein change: p.Gln1460Arg; replaces glutamine 1460 with arginine.
Molecular consequence: missense variant.
Genome position (GRCh38, 1-based): chr18:45,063,286, A>G. VCF-style: chr18-45063286-A-G. GRCh37 (hg19) VCF-style: chr18-42643251-A-G.
Other names: c.4379A>G, p.Gln1460Arg (NM_001379141.1, NM_001379142.1); c.4208A>G, p.Gln1403Arg (NM_001410862.1); short protein forms Q1460R, Q1403R.
Identifiers: ClinVar variation 2147465 (VCV002147465.4), dbSNP rs2511368833, ClinGen allele CA402483277.

ClinVar aggregate classification (germline): Uncertain significance (1 of 4 stars; one submission).

Submission:

Labcorp Genetics (formerly Invitae), Labcorp
Classification: Uncertain significance. Last evaluated: 2022-11-28. Review status: criteria provided, single submitter. Criteria: Invitae Variant Classification Sherloc (09022015). Collection method: clinical testing. Allele origin: germline.
Comment: This variant is not present in population databases (gnomAD no frequency). In summary, the available evidence is currently insufficient to determine the role of this variant in disease. Therefore, it has been classified as a Variant of Uncertain Significance. Advanced modeling of protein sequence and biophysical properties (such as structural, functional, and spatial information, amino acid conservation, physicochemical variation, residue mobility, and thermodynamic stability) performed at Invitae indicates that this missense variant is not expected to disrupt SETBP1 protein function. This variant has not been reported in the literature in individuals affected with SETBP1-related conditions. This sequence change replaces glutamine, which is neutral and polar, with arginine, which is basic and polar, at codon 1460 of the SETBP1 protein (p.Gln1460Arg).